The following is an entry in ClinVar:

NM_001184.4(ATR):c.2078+4T>G

Gene: ATR (ATR checkpoint kinase; minus strand). Cytogenetic location: 3q23.
Variant type: single nucleotide variant.
Coding change: c.2078+4T>G on transcript NM_001184.4 (MANE Select); 4 bases into the intron after coding-DNA position 2078, T replaced by G.
Molecular consequence: intron variant.
Genome position (GRCh38, 1-based): chr3:142,556,379, A>C on the plus strand (T>G on the coding strand, the complement: ATR is on the minus strand). VCF-style: chr3-142556379-A-C. GRCh37 (hg19) VCF-style: chr3-142275221-A-C.
Other names: c.1886+4T>G (NM_001354579.2).
Identifiers: ClinVar variation 1950558 (VCV001950558.5), dbSNP rs924968915, ClinGen allele CA2580068886.
Genomic context (GRCh38, chr3:142,556,379, plus strand): 5'-ATAGCCAGACAATTATGATCTTTCCAATAGAGTGATATATTCAAATTAAAATCTTAGTAC[A>C]TACATAAGAATCTTGGGAACTCTGTTACAAGAATTCTGCTGCTGCAATAAGATAAAAAAT-3'

ClinVar aggregate classification (germline): Uncertain significance (1 of 4 stars; one submission).

gnomAD v4.1: 1 of 1,609,744 alleles (0.000062%); no homozygotes.

Submission:

Labcorp Genetics (formerly Invitae), Labcorp
Classification: Uncertain significance. Last evaluated: 2024-02-23. Review status: criteria provided, single submitter. Criteria: Invitae Variant Classification Sherloc (09022015). Collection method: clinical testing. Allele origin: germline.
Comment: This sequence change falls in intron 9 of the ATR gene. It does not directly change the encoded amino acid sequence of the ATR protein. It affects a nucleotide within the consensus splice site. This variant is not present in population databases (gnomAD no frequency). This variant has not been reported in the literature in individuals affected with ATR-related conditions. ClinVar contains an entry for this variant (Variation ID: 1950558). Variants that disrupt the consensus splice site are a relatively common cause of aberrant splicing (PMID: 17576681, 9536098). Algorithms developed to predict the effect of sequence changes on RNA splicing suggest that this variant may create or strengthen a splice site. In summary, the available evidence is currently insufficient to determine the role of this variant in disease. Therefore, it has been classified as a Variant of Uncertain Significance.

Literature cited by the submitters: PubMed 17576681; PubMed 9536098.